The following is an entry in ClinVar:

NM_000283.4(PDE6B):c.537_540del (p.Pro179_Ile180insTer)

Gene: PDE6B (phosphodiesterase 6B; plus strand). Cytogenetic location: 4p16.3.
Variant type: Deletion.
Coding change: c.537_540del on transcript NM_000283.4 (MANE Select); coding-DNA positions 537 to 540, 4 bases deleted (CATC; older notation c.537_540delCATC).
Protein change: p.Pro179_Ile180insTer.
Molecular consequence: frameshift variant.
Genome position (GRCh38, 1-based): chr4:634,745-634,748, CATC deleted; deleting any 4 consecutive bases within chr4:634,744-634,748 gives the same sequence; the c. name uses the placement nearest the transcript's 3' end. VCF-style (leftmost placement, unchanged base first): chr4-634743-CCCAT-C. GRCh37 (hg19) VCF-style: chr4-628532-CCCAT-C.
Other names: c.537_540del, p.Pro179_Ile180insTer (NM_001145291.2).
Identifiers: ClinVar variation 1297099 (VCV001297099.2), dbSNP rs1470086286, ClinGen allele CA797207252.
Genomic context (GRCh38, chr4:634,743, plus strand): 5'-CACTTCAGCTCATTTGCTGACGAGCTCACTGACTACAAGACAAAGAATATGCTGGCCACA[CCCAT>C]CATGAATGGCAAAGACGTCGTGGCGGTGATCATGGCAGTGAACAAGCTCAACGGCCCATT-3'

ClinVar aggregate classification (germline): Likely pathogenic (1 of 4 stars; one submission).

Conditions:
Retinitis pigmentosa (RP). Identifiers: Orphanet 791, MedGen C0035334, MeSH D012174, MONDO:0019200, OMIM 268000. Inheritance: Autosomal dominant, autosomal recessive and X linked inheritance.

Submission:

Broad Center for Mendelian Genomics, Broad Institute of MIT and Harvard
Classification: Likely pathogenic for Retinitis pigmentosa. Last evaluated: 2021-04-01. Review status: criteria provided, single submitter. Criteria: ACMG Guidelines, 2015. Collection method: curation. Allele origin: germline. Inheritance: Autosomal recessive inheritance. Affected: yes.
Comment: Through a review of available evidence we were able to apply the following criteria: PVS1, PM2. Based on this evidence we have classified this variant as Likely Pathogenic. If you have any questions about the classification please reach out to the Pierce Lab.

Literature cited by the submitters: PubMed 34906470.